The following is an entry in ClinVar:

NM_000179.3(MSH6):c.3313_3344del (p.Gly1105fs)

Gene: MSH6 (mutS homolog 6; plus strand). Cytogenetic location: 2p16.3.
Variant type: Deletion.
Coding change: c.3313_3344del on transcript NM_000179.3 (MANE Select); coding-DNA positions 3313 to 3344, 32 bases deleted.
Protein change: p.Gly1105fs; shifts the reading frame from glycine 1105.
Molecular consequence: frameshift variant. On other transcripts: non-coding transcript variant (5), intron variant (1).
Genome position (GRCh38, 1-based): chr2:47,803,560-47,803,591, 32 bases deleted; deleting any 32 consecutive bases within chr2:47,803,559-47,803,591 gives the same sequence; the c. name uses the placement nearest the transcript's 3' end. GRCh37 (hg19): chr2:48,030,699-48,030,730.
Other names: c.2923_2954del, p.Gly975fs (NM_001281492.2); c.2407_2438del, p.Gly803fs (NM_001281493.2, NM_001281494.2, NM_001406811.1 and 6 more transcripts); c.3409_3440del, p.Gly1137fs (NM_001406795.1, NM_001406802.1); c.3313_3344del, p.Gly1105fs (NM_001406796.1, NM_001406800.1, NM_001406808.1 and 1 more transcripts); c.3016_3047del, p.Gly1006fs (NM_001406797.1, NM_001406801.1, NM_001406805.1 and 10 more transcripts); c.2788_2819del, p.Gly930fs (NM_001406799.1, NM_001406806.1, NM_001406807.1); c.2449_2480del, p.Gly817fs (NM_001406803.1); c.3235_3266del, p.Gly1079fs (NM_001406804.1); and 7 more; short protein forms G1006fs, G1049fs, G1079fs, G1105fs, G1107fs, G1137fs, G32fs, G420fs.
Identifiers: ClinVar variation 2673592 (VCV002673592.1), dbSNP rs2530767576, ClinGen allele CA2695200539.

ClinVar aggregate classification (germline): Pathogenic (1 of 4 stars; one submission).

Conditions:
Lynch syndrome 5 (LYNCH5). Also called: Colorectal cancer, hereditary nonpolyposis, type 5; Hereditary non-polyposis colorectal cancer, type 5. Identifiers: Orphanet 144, MedGen C1833477, MONDO:0013710, OMIM 614350. Disease mechanism: loss of function.

Submission:

Myriad Genetics, Inc.
Classification: Pathogenic for Lynch syndrome 5. Last evaluated: 2023-08-22. Review status: criteria provided, single submitter. Criteria: Myriad Autosomal Dominant, Autosomal Recessive and X-Linked Classification Criteria (2023). Collection method: clinical testing. Allele origin: unknown.
Comment: This variant is considered pathogenic. This variant creates a frameshift predicted to result in premature protein truncation.